The following is an entry in ClinVar:

ClinVar aggregate classification (germline): Uncertain significance (1 of 4 stars; one submission).

Conditions:
Leber congenital amaurosis 13 (LCA13). Identifiers: MedGen C2675186, MONDO:0012990, OMIM 612712.

Allele frequency attached by ClinVar (database versions not stated): ExAC 0.00001; gnomAD exomes 0.00001.
gnomAD v4.1: 16 of 1,613,588 alleles (0.00099%); highest among the groups gnomAD compares: Non-Finnish European, 0.0014%; no homozygotes.

Submission:

Labcorp Genetics (formerly Invitae), Labcorp
Classification: Uncertain significance for Leber congenital amaurosis 13. Last evaluated: 2022-02-10. Review status: criteria provided, single submitter. Criteria: Invitae Variant Classification Sherloc (09022015). Collection method: clinical testing. Allele origin: germline.
Comment: In summary, the available evidence is currently insufficient to determine the role of this variant in disease. Therefore, it has been classified as a Variant of Uncertain Significance. Algorithms developed to predict the effect of missense changes on protein structure and function are either unavailable or do not agree on the potential impact of this missense change (SIFT: "Deleterious"; PolyPhen-2: "Probably Damaging"; Align-GVGD: "Class C0"). This variant has not been reported in the literature in individuals affected with RDH12-related conditions. This variant is present in population databases (rs756493180, gnomAD 0.003%). This sequence change replaces proline, which is neutral and non-polar, with serine, which is neutral and polar, at codon 20 of the RDH12 protein (p.Pro20Ser).

NM_152443.3(RDH12):c.58C>T (p.Pro20Ser)

Genes: RDH12 (retinol dehydrogenase 12; plus strand), GPHN (gephyrin; plus strand). Cytogenetic location: 14q24.1.
Variant type: single nucleotide variant.
Coding change: c.58C>T on transcript NM_152443.3 (MANE Select); coding-DNA position 58, C replaced by T.
Protein change: p.Pro20Ser; replaces proline 20 with serine.
Molecular consequence: missense variant.
Genome position (GRCh38, 1-based): chr14:67,722,700, C>T. VCF-style: chr14-67722700-C-T. GRCh37 (hg19) VCF-style: chr14-68189417-C-T.
Other names: short protein forms P20S.
Identifiers: ClinVar variation 2160507 (VCV002160507.2), dbSNP rs756493180, ClinGen allele CA7238573.